The following is an entry in ClinVar:

NM_000059.4(BRCA2):c.5222_5225del (p.Ser1741fs)

Gene: BRCA2 (BRCA2 DNA repair associated; plus strand). Cytogenetic location: 13q13.1.
Variant type: Deletion.
Coding change: c.5222_5225del on transcript NM_000059.4 (MANE Select); coding-DNA positions 5222 to 5225, 4 bases deleted (GTAA; older notation c.5222_5225delGTAA).
Protein change: p.Ser1741fs; shifts the reading frame from serine 1741.
Molecular consequence: frameshift variant.
Genome position (GRCh38, 1-based): chr13:32,339,577-32,339,580, GTAA deleted; deleting any 4 consecutive bases within chr13:32,339,574-32,339,580 gives the same sequence; the c. name uses the placement nearest the transcript's 3' end. VCF-style (leftmost placement, unchanged base first): chr13-32339573-TTAAG-T. GRCh37 (hg19) VCF-style: chr13-32913710-TTAAG-T.
Other names: 5450del4; c.5222_5225delGTAA (NM_000059.3).
Identifiers: ClinVar variation 126063 (VCV000126063.22), dbSNP rs80359498, ClinGen allele CA021774.

ClinVar aggregate classification (germline): Pathogenic. Review status: reviewed by expert panel (3 of 4 stars). 11 submissions from 11 submitters: Pathogenic (1). 10 of the submissions do not count toward it. Last evaluated 2016-09-08.

Conditions:
Hereditary cancer-predisposing syndrome. Also called: Tumor predisposition; Hereditary Cancer Syndrome; Neoplastic Syndromes, Hereditary; Hereditary neoplastic syndrome. Identifiers: Orphanet 140162, MedGen C0027672, MeSH D009386, MONDO:0015356.
Hereditary breast ovarian cancer syndrome. Also called: Hereditary breast and ovarian cancer; Hereditary breast and/or ovarian cancer syndrome; BRCA1- and BRCA2-Associated Hereditary Breast and Ovarian Cancer; Hereditary breast and ovarian cancer syndrome; Hereditary breast and ovarian cancer syndrome (HBOC); Breast and ovarian cancer. Identifiers: Orphanet 145, MedGen C0677776, MeSH D061325, MONDO:0003582. Disease mechanism: loss of function.
Breast-ovarian cancer, familial, susceptibility to, 2 (BROVCA2). Also called: BRCA2 Hereditary Breast and Ovarian Cancer. Identifiers: Orphanet 145, MedGen C2675520, MONDO:0012933, OMIM 612555. Disease mechanism: loss of function.
Familial cancer of breast. Also called: BREAST CANCER, FAMILIAL; Hereditary breast cancer; hereditary breast carcinoma. Identifiers: Orphanet 227535, MedGen C0346153, MONDO:0016419, OMIM 114480. Disease mechanism: loss of function.

Submissions 1 to 8 of 11:

Evidence-based Network for the Interpretation of Germline Mutant Alleles (ENIGMA)
Classification: Pathogenic for Breast-ovarian cancer, familial, susceptibility to, 2. Last evaluated: 2016-09-08. Review status: reviewed by expert panel. Criteria: ENIGMA BRCA1/2 Classification Criteria (2015). Collection method: curation. Allele origin: germline.
Comment: Variant allele predicted to encode a truncated non-functional protein.

Molecular Diagnostics Laboratory, Catalan Institute of Oncology
Classification: Pathogenic for Hereditary cancer-predisposing syndrome. Last evaluated: 2025-06-29. Review status: criteria provided, single submitter. Criteria: ClinGen BRCA1BRCA2 ACMG Specifications BRCA2 V1.0.0. Collection method: clinical testing. Allele origin: germline. Not counted in ClinVar's aggregate classification.
Comment: PVS1, PM2_Supporting, PM5_PTC_Strong c.5222_5225del, located in exon 11 of the BRCA2 gene, consists of the deletion of 4 nucleotides, causing a translational frameshift with a predicted alternate stop codon (p.(Ser1741ThrfsTer35)). This alteration is expected to result in loss of function by premature protein truncation and nonsense-mediated mRNA decay (PVS1). This variant cause a protein termination codon (PTC) in an exon where different proven pathogenic variants have been detected before (PM5_PTC_Strong). It is not present in the population database gnomAD v2.1.1, non-cancer dataset (PM2_Supporting). The SpliceAI algorithm predicts no significant impact on splicing. To our knowledge, neither relevant clinical data nor well-established functional studies have been reported for this variant. It has been reported in at least 4 families with HBOC criteria (PMID: 31528241). This variant has been reported in the ClinVar database (9x pathogenic), in the LOVD database (8x pathogenic, 1x uncertain significance) and in BRCA Exchange database (pathogenic). Based on currently available information, the variant c.5222_5225del should be considered a pathogenic variant according to ClinGen ENIGMA BRCA1 and BRCA2 Expert Panel Specifications to the ACMG/AMP Variant Interpretation Guidelines for BRCA2 Version 1.0.0.

Women's Health and Genetics/Laboratory Corporation of America, LabCorp
Classification: Pathogenic for Hereditary breast ovarian cancer syndrome. Last evaluated: 2024-10-21. Review status: criteria provided, single submitter. Criteria: LabCorp Variant Classification Summary - May 2015. Collection method: clinical testing. Allele origin: germline. Not counted in ClinVar's aggregate classification.
Comment: Variant summary: BRCA2 c.5222_5225delGTAA (p.Ser1741ThrfsX35) results in a premature termination codon, predicted to cause a truncation of the encoded protein or absence of the protein due to nonsense mediated decay, which are commonly known mechanisms for disease. The variant was absent in 248780 control chromosomes. c.5222_5225delGTAA has been reported in the literature in individuals affected with Hereditary Breast And Ovarian Cancer Syndrome (Rashid_2019). To our knowledge, no experimental evidence demonstrating an impact on protein function has been reported. The following publication has been ascertained in the context of this evaluation (PMID: 31528241). ClinVar contains an entry for this variant (Variation ID: 126063). Based on the evidence outlined above, the variant was classified as pathogenic.

Labcorp Genetics (formerly Invitae), Labcorp
Classification: Pathogenic for Hereditary breast ovarian cancer syndrome. Last evaluated: 2024-01-18. Review status: criteria provided, single submitter. Criteria: Invitae Variant Classification Sherloc (09022015). Collection method: clinical testing. Allele origin: germline. Not counted in ClinVar's aggregate classification.
Comment: This sequence change creates a premature translational stop signal (p.Ser1741Thrfs*35) in the BRCA2 gene. It is expected to result in an absent or disrupted protein product. Loss-of-function variants in BRCA2 are known to be pathogenic (PMID: 20104584). This variant is not present in population databases (gnomAD no frequency). This variant has not been reported in the literature in individuals affected with BRCA2-related conditions. ClinVar contains an entry for this variant (Variation ID: 126063). For these reasons, this variant has been classified as Pathogenic.

Ambry Genetics
Classification: Pathogenic for Hereditary cancer-predisposing syndrome. Last evaluated: 2024-01-08. Review status: criteria provided, single submitter. Criteria: Ambry Variant Classification Scheme 2023. Collection method: clinical testing. Allele origin: germline. Not counted in ClinVar's aggregate classification.
Comment: The c.5222_5225delGTAA pathogenic mutation, located in coding exon 10 of the BRCA2 gene, results from a deletion of 4 nucleotides at positions 5222 to 5225 causing a translational frameshift with a predicted alternate stop codon (p.S1741Tfs*35). This alteration was identified in 3/539 families from Pakistan with early onset and/or familial breast cancer (Rashid MU et al. Hered Cancer Clin Pract, 2019 Sep;17:27). Furthermore, this alteration was identified in a large, worldwide study of BRCA1/2 mutation positive families (Rebbeck TR et al. Hum. Mutat., 2018 05;39:593-620). This variant is considered to be rare based on population cohorts in the Genome Aggregation Database (gnomAD). In addition to the clinical data presented in the literature, this alteration is expected to result in loss of function by premature protein truncation or nonsense-mediated mRNA decay. As such, this alteration is interpreted as a disease-causing mutation.

KCCC/NGS Laboratory, Kuwait Cancer Control Center
Classification: Pathogenic for Breast-ovarian cancer, familial, susceptibility to, 2. Last evaluated: 2023-06-06. Review status: criteria provided, single submitter. Criteria: ACMG Guidelines, 2015. Collection method: clinical testing. Allele origin: germline. Affected: yes. Not counted in ClinVar's aggregate classification.
Comment: A known pathogenic mutation was detected in the BRCA2 gene (c.5222_5225delGTAA). This sequence change creates a premature translational stop signal (S1741Tfs*35) in the BRCA2 gene. It is expected to result in an absent or disrupted protein product. This variant is not present in population databases (gnomAD genomes). This variant has not been reported in the literature in individuals with BRCA2-related conditions. Loss-of-function variants in BRCA2 are known to be pathogenic (PMID: 20104584). Therefore, this variant has been classified as Pathogenic. Pathogenic/likely pathogenic mutations in the BRCA2 gene cause susceptibility to breast cancer (Hereditary Breast-Ovarian Cancer Syndrome, OMIM# 114480).

Color Diagnostics, LLC DBA Color Health
Classification: Pathogenic for Hereditary cancer-predisposing syndrome. Last evaluated: 2020-01-15. Review status: criteria provided, single submitter. Criteria: ACMG Guidelines, 2015. Collection method: clinical testing. Allele origin: germline. Not counted in ClinVar's aggregate classification.
Comment: This variant deletes 4 nucleotides in exon 11 of the BRCA2 gene, creating a frameshift and premature translation stop signal. This variant is expected to result in an absent or non-functional protein product. This variant has not been identified in the general population by the Genome Aggregation Database (gnomAD). Loss of BRCA2 function is a known mechanism of disease. Based on the available evidence, this variant is classified as Pathogenic.

Consortium of Investigators of Modifiers of BRCA1/2 (CIMBA), c/o University of Cambridge
Classification: Pathogenic for Breast-ovarian cancer, familial, susceptibility to, 2. Last evaluated: 2015-10-02. Review status: criteria provided, single submitter. Criteria: CIMBA Mutation Classification guidelines May 2016. Collection method: clinical testing. Allele origin: germline. Not counted in ClinVar's aggregate classification.